The following is an entry in ClinVar:

ClinVar aggregate classification (germline): Uncertain significance (1 of 4 stars; one submission).

Conditions:
GDF1-related disorder. Also called: GDF1-related condition.

Submission:

PreventionGenetics, part of Exact Sciences
Classification: Uncertain significance for GDF1-related condition. Last evaluated: 2024-10-18. Review status: criteria provided, single submitter. Criteria: ACMG Guidelines, 2015. Collection method: clinical testing. Allele origin: germline.
Comment: The GDF1 c.967C>T variant is predicted to result in the amino acid substitution p.Leu323Phe. To our knowledge, this variant has not been reported in the literature or in a large population database (gnomAD), indicating this variant is rare. At this time, the clinical significance of this variant is uncertain due to the absence of conclusive functional and genetic evidence.

NM_001492.6(GDF1):c.967C>T (p.Leu323Phe)

Genes: CERS1 (ceramide synthase 1; minus strand), GDF1 (growth differentiation factor 1; minus strand). Cytogenetic location: 19p13.11.
Variant type: single nucleotide variant.
Coding change: c.967C>T on transcript NM_001492.6 (MANE Select); coding-DNA position 967, C replaced by T.
Protein change: p.Leu323Phe; replaces leucine 323 with phenylalanine.
Molecular consequence: missense variant. On other transcripts: 3 prime UTR variant (2).
Genome position (GRCh38, 1-based): chr19:18,868,749, G>A on the plus strand (C>T on the coding strand, the complement: GDF1 is on the minus strand). VCF-style: chr19-18868749-G-A. GRCh37 (hg19) VCF-style: chr19-18979558-G-A.
Other names: c.*1828C>T (NM_001387440.1); c.*1236C>T (NM_021267.5); c.967C>T, p.Leu323Phe (NM_001387438.1); short protein forms L323F.
Identifiers: ClinVar variation 4990155 (VCV004990155.1).
Genomic context (GRCh38, chr19:18,868,749, plus strand): 5'-ACAGGCGCGCGGGCACGCAGCAGGGCAGGTCGGCGGCTCCCGGGGCGGCCGCGTGCATGA[G>A]CGCGCGCAGCACAGCGTGGTTGAGCGCCGGCGGCCCCCCGGACCCCGACAGCGCGACGGG-3'
Protein context (NP_001483.3, residues 313-333): PALNHAVLRA[Leu323Phe]MHAAAPGAAD